The following is an entry in ClinVar:

NM_058216.3(RAD51C):c.85T>A (p.Ser29Thr)

Gene: RAD51C (RAD51 paralog C; plus strand). Cytogenetic location: 17q22.
Variant type: single nucleotide variant.
Coding change: c.85T>A on transcript NM_058216.3 (MANE Select); coding-DNA position 85, T replaced by A.
Protein change: p.Ser29Thr; replaces serine 29 with threonine.
Molecular consequence: missense variant. On other transcripts: non-coding transcript variant (1).
Genome position (GRCh38, 1-based): chr17:58,692,728, T>A. VCF-style: chr17-58692728-T-A. GRCh37 (hg19) VCF-style: chr17-56770089-T-A.
Other names: c.85T>A, p.Ser29Thr (NM_002876.4); short protein forms S29T.
Identifiers: ClinVar variation 4758286 (VCV004758286.1).

ClinVar aggregate classification (germline): Uncertain significance (1 of 4 stars; one submission).

Conditions:
Hereditary cancer-predisposing syndrome. Also called: Tumor predisposition; Hereditary Cancer Syndrome; Neoplastic Syndromes, Hereditary; Hereditary neoplastic syndrome. Identifiers: Orphanet 140162, MedGen C0027672, MeSH D009386, MONDO:0015356.

Submission:

Color Diagnostics, LLC DBA Color Health
Classification: Uncertain significance for Hereditary cancer-predisposing syndrome. Last evaluated: 2025-11-10. Review status: criteria provided, single submitter. Criteria: ACMG Guidelines, 2015. Collection method: clinical testing. Allele origin: germline.
Comment: This missense variant replaces serine with threonine at codon 29 of the RAD51C protein. Computational prediction suggests that this variant may not impact protein structure and function. To our knowledge, functional studies have not been reported for this variant. This variant has not been reported in individuals affected with RAD51C-related disorders in the literature. This variant has not been identified in the general population by the Genome Aggregation Database (gnomAD). The available evidence is insufficient to determine the role of this variant in disease conclusively. Therefore, this variant is classified as a Variant of Uncertain Significance.